The following is an entry in ClinVar:

NM_001232.4(CASQ2):c.860T>G (p.Ile287Ser)

Gene: CASQ2 (calsequestrin 2; minus strand). Cytogenetic location: 1p13.1.
Variant type: single nucleotide variant.
Coding change: c.860T>G on transcript NM_001232.4 (MANE Select); coding-DNA position 860, T replaced by G.
Protein change: p.Ile287Ser; replaces isoleucine 287 with serine.
Molecular consequence: missense variant.
Genome position (GRCh38, 1-based): chr1:115,705,271, A>C on the plus strand (T>G on the coding strand, the complement: CASQ2 is on the minus strand). VCF-style: chr1-115705271-A-C. GRCh37 (hg19) VCF-style: chr1-116247892-A-C.
Other names: c.860T>G (NM_001232.3); short protein forms I287S.
Identifiers: ClinVar variation 1401225 (VCV001401225.8), dbSNP rs368165922, ClinGen allele CA341766895.
Genomic context (GRCh38, chr1:115,705,271, plus strand): 5'-TCGATCCACAGGATGCTCAGATCGGGGTTGTCAGTATTGTCCCGGGCAACCTGTTTCAGG[A>C]TCTCCAGGAATTCGTAGCCATCTGAAACAGGATTCAAGAGAGTTGAGTAACCCCTGCACA-3'
Protein context (NP_001223.2, residues 277-297): SDPDGYEFLE[Ile287Ser]LKQVARDNTD

ClinVar aggregate classification (germline): Uncertain significance. Review status: criteria provided, multiple submitters, no conflicts (2 of 4 stars). 2 submissions from 2 submitters: Uncertain significance (2). Last evaluated 2026-08-19.

Conditions:
Cardiovascular phenotype. Identifiers: MedGen CN230736.
Catecholaminergic polymorphic ventricular tachycardia 1. Also called: RYR2-Related Catecholaminergic Polymorphic Ventricular Tachycardia; VENTRICULAR TACHYCARDIA, STRESS-INDUCED POLYMORPHIC 1; VENTRICULAR TACHYCARDIA, CATECHOLAMINERGIC POLYMORPHIC, 1, WITH OR WITHOUT ATRIAL DYSFUNCTION AND/OR DILATED CARDIOMYOPATHY. Identifiers: Orphanet 3286, MedGen C1631597, MONDO:0011484, OMIM 604772.

Submissions (2):

Ambry Genetics
Classification: Uncertain significance for Cardiovascular phenotype. Last evaluated: 2026-08-19. Review status: criteria provided, single submitter. Criteria: Ambry Variant Classification Scheme 2023. Collection method: clinical testing. Allele origin: germline.
Comment: The p.I287S variant (also known as c.860T>G), located in coding exon 9 of the CASQ2 gene, results from a T to G substitution at nucleotide position 860. The isoleucine at codon 287 is replaced by serine, an amino acid with dissimilar properties. This amino acid position is conserved. In addition, this alteration is predicted to be deleterious by in silico analysis. Based on the available evidence, the clinical significance of this variant remains unclear.

Labcorp Genetics (formerly Invitae), Labcorp
Classification: Uncertain significance for Catecholaminergic polymorphic ventricular tachycardia 1. Last evaluated: 2022-01-26. Review status: criteria provided, single submitter. Criteria: Invitae Variant Classification Sherloc (09022015). Collection method: clinical testing. Allele origin: germline.
Comment: This variant is not present in population databases (gnomAD no frequency). In summary, the available evidence is currently insufficient to determine the role of this variant in disease. Therefore, it has been classified as a Variant of Uncertain Significance. Algorithms developed to predict the effect of missense changes on protein structure and function (SIFT, PolyPhen-2, Align-GVGD) all suggest that this variant is likely to be disruptive. This variant has not been reported in the literature in individuals affected with CASQ2-related conditions. This sequence change replaces isoleucine, which is neutral and non-polar, with serine, which is neutral and polar, at codon 287 of the CASQ2 protein (p.Ile287Ser).